The following is an entry in ClinVar:

NM_014915.3(ANKRD26):c.3695T>A (p.Leu1232Gln)

Gene: ANKRD26 (ankyrin repeat domain 26; minus strand). Cytogenetic location: 10p12.1.
Variant type: single nucleotide variant.
Coding change: c.3695T>A on transcript NM_014915.3 (MANE Select); coding-DNA position 3695, T replaced by A.
Protein change: p.Leu1232Gln; replaces leucine 1232 with glutamine.
Molecular consequence: missense variant.
Genome position (GRCh38, 1-based): chr10:27,033,337, A>T on the plus strand (T>A on the coding strand, the complement: ANKRD26 is on the minus strand). VCF-style: chr10-27033337-A-T. GRCh37 (hg19) VCF-style: chr10-27322266-A-T.
Other names: c.3692T>A, p.Leu1231Gln (NM_001256053.2); short protein forms L1231Q, L1232Q.
Identifiers: ClinVar variation 4859166 (VCV004859166.1).

ClinVar aggregate classification (germline): Uncertain significance (1 of 4 stars; one submission).

Conditions:
Inborn genetic diseases. Identifiers: MedGen C0950123, MeSH D030342.

Submission:

Ambry Genetics
Classification: Uncertain significance for Inborn genetic diseases. Last evaluated: 2026-03-29. Review status: criteria provided, single submitter. Criteria: Ambry Variant Classification Scheme 2023. Collection method: clinical testing. Allele origin: germline.
Comment: The p.L1232Q variant (also known as c.3695T>A), located in coding exon 25 of the ANKRD26 gene, results from a T to A substitution at nucleotide position 3695. The leucine at codon 1232 is replaced by glutamine, an amino acid with dissimilar properties. This amino acid position is conserved. In addition, the in silico prediction for this alteration is inconclusive. Based on the available evidence, the clinical significance of this variant remains unclear.